The following is an entry in ClinVar:

ClinVar aggregate classification (germline): Conflicting classifications of pathogenicity. Review status: criteria provided, conflicting classifications (1 of 4 stars). 4 submissions from 4 submitters: Uncertain significance (2); Likely benign (1). 1 of the submissions does not count toward it. Last evaluated 2025-08-17.

Conditions:
Cohen syndrome (COH1). Also called: PEPPER SYNDROME; Cutis verticis gyrata, retinitis pigmentosa, and sensorineural deafness. Identifiers: Orphanet 193, MedGen C0265223, MONDO:0008999, OMIM 216550.
VPS13B-related disorder. Also called: VPS13B-related condition.
Inborn genetic diseases. Identifiers: MedGen C0950123, MeSH D030342.

Allele frequency attached by ClinVar (database versions not stated): TOPMed below 0.00001; gnomAD 0.00001.
gnomAD v4.1: 15 of 1,612,634 alleles (0.00093%); highest among the groups gnomAD compares: Non-Finnish European, 0.0013%; no homozygotes.

Submissions (4):

PreventionGenetics, part of Exact Sciences
Classification: Uncertain significance for VPS13B-related condition. Last evaluated: 2025-08-17. Review status: criteria provided, single submitter. Criteria: ACMG Guidelines, 2015. Collection method: clinical testing. Allele origin: germline.
Comment: The VPS13B c.4231A>G variant is predicted to result in the amino acid substitution p.Thr1411Ala. To our knowledge, this variant has not been reported in the literature or in a large population database (gnomAD), indicating this variant is rare. At this time, the clinical significance of this variant is uncertain due to the absence of conclusive functional and genetic evidence.

Ambry Genetics
Classification: Likely benign for Inborn genetic diseases. Last evaluated: 2023-12-15. Review status: criteria provided, single submitter. Criteria: Ambry Variant Classification Scheme 2023. Collection method: clinical testing. Allele origin: germline.

Labcorp Genetics (formerly Invitae), Labcorp
Classification: Uncertain significance for Cohen syndrome. Last evaluated: 2022-06-29. Review status: criteria provided, single submitter. Criteria: Invitae Variant Classification Sherloc (09022015). Collection method: clinical testing. Allele origin: germline.
Comment: This sequence change replaces threonine, which is neutral and polar, with alanine, which is neutral and non-polar, at codon 1436 of the VPS13B protein (p.Thr1436Ala). This variant is not present in population databases (gnomAD no frequency). This variant has not been reported in the literature in individuals affected with VPS13B-related conditions. ClinVar contains an entry for this variant (Variation ID: 862720). Algorithms developed to predict the effect of missense changes on protein structure and function output the following: SIFT: "Not Available"; PolyPhen-2: "Benign"; Align-GVGD: "Not Available". The alanine amino acid residue is found in multiple mammalian species, which suggests that this missense change does not adversely affect protein function. In summary, the available evidence is currently insufficient to determine the role of this variant in disease. Therefore, it has been classified as a Variant of Uncertain Significance.

Natera, Inc.
Classification: Uncertain significance for Cohen syndrome. Last evaluated: 2020-10-16. Review status: no assertion criteria provided. Collection method: clinical testing. Allele origin: germline. Not counted in ClinVar's aggregate classification.

NM_152564.5(VPS13B):c.4231A>G (p.Thr1411Ala)

Gene: VPS13B (vacuolar protein sorting 13 homolog B; plus strand). Cytogenetic location: 8q22.2.
Variant type: single nucleotide variant.
Coding change: c.4231A>G on transcript NM_152564.5 (MANE Select); coding-DNA position 4231, A replaced by G.
Protein change: p.Thr1411Ala; replaces threonine 1411 with alanine.
Molecular consequence: missense variant.
Genome position (GRCh38, 1-based): chr8:99,511,110, A>G. VCF-style: chr8-99511110-A-G. GRCh37 (hg19) VCF-style: chr8-100523338-A-G.
Other names: c.4231A>G (NM_152564.4); c.4306A>G, p.Thr1436Ala (NM_017890.5); c.4306A>G (NM_017890.3); short protein forms T1411A, T1436A.
Identifiers: ClinVar variation 862720 (VCV000862720.13), dbSNP rs1462190245, ClinGen allele CA371871180.
Genomic context (GRCh38, chr8:99,511,110, plus strand): 5'-TAAAAAAAATCTTTTTAATGAACTGTGTATTGTGATTTCCTTTTTTTGGAACAGACAACT[A>G]CAAAACTTCTAGATGGCACTCATCAGCAGCATGGATTCCTCTCTCTGACATACACAAAAG-3'
Protein context (NP_689777.3, residues 1401-1421): LQCKEKSVTT[Thr1411Ala]KLLDGTHQQH